The following is an entry in ClinVar:

NC_000002.11:g.(?_15372526)_(15618433_?)del

Gene: NBAS (NBAS subunit of NRZ tethering complex; minus strand). Cytogenetic location: 2p24.3.
Variant type: Deletion.
Identifiers: ClinVar variation 2426224 (VCV002426224.4).

ClinVar aggregate classification (germline): Pathogenic (1 of 4 stars; one submission).

Submission:

Labcorp Genetics (formerly Invitae), Labcorp
Classification: Pathogenic. Last evaluated: 2021-12-29. Review status: criteria provided, single submitter. Criteria: Invitae Variant Classification Sherloc (09022015). Collection method: clinical testing. Allele origin: germline.
Comment: For these reasons, this variant has been classified as Pathogenic. This variant has not been reported in the literature in individuals affected with NBAS-related conditions. This variant is a gross deletion of the genomic region encompassing exon(s) 13-47 of the NBAS gene. This deletion is out-of-frame, and is expected to create a premature termination codon and result in an absent or disrupted protein product. Loss-of-function variants in NBAS are known to be pathogenic (PMID: 26073778, 26541327, 27789416, 28031453).

Literature cited by the submitters: PubMed 26073778; PubMed 26541327; PubMed 27789416; PubMed 28031453.